The following is an entry in ClinVar:

ClinVar aggregate classification (germline): Uncertain significance (1 of 4 stars; one submission).

Conditions:
SEMA3F-related disorder. Also called: SEMA3F-related condition.

Allele frequency attached by ClinVar (database versions not stated): gnomAD 0.00001; gnomAD exomes 0.00001; TOPMed 0.00001.
gnomAD v4.1: 12 of 1,613,868 alleles (0.00074%); highest among the groups gnomAD compares: East Asian, 0.0022%; no homozygotes.

Submission:

PreventionGenetics, part of Exact Sciences
Classification: Uncertain significance for SEMA3F-related condition. Last evaluated: 2022-09-22. Review status: criteria provided, single submitter. Criteria: ACMG Guidelines, 2015. Collection method: clinical testing. Allele origin: germline.
Comment: The SEMA3F c.962G>A variant is predicted to result in the amino acid substitution p.Arg321Gln. To our knowledge, this variant has not been reported in the literature. This variant is reported in 0.00088% of alleles in individuals of European (Non-Finnish) descent in gnomAD. At this time, the clinical significance of this variant is uncertain due to the absence of conclusive functional and genetic evidence.

NM_004186.5(SEMA3F):c.962G>A (p.Arg321Gln)

Gene: SEMA3F (semaphorin 3F; plus strand). Cytogenetic location: 3p21.31.
Variant type: single nucleotide variant.
Coding change: c.962G>A on transcript NM_004186.5 (MANE Select); coding-DNA position 962, G replaced by A.
Protein change: p.Arg321Gln; replaces arginine 321 with glutamine.
Molecular consequence: missense variant.
Genome position (GRCh38, 1-based): chr3:50,182,962, G>A. VCF-style: chr3-50182962-G-A. GRCh37 (hg19) VCF-style: chr3-50220395-G-A.
Other names: c.665G>A, p.Arg222Gln (NM_001318798.2); c.869G>A, p.Arg290Gln (NM_001318800.2); short protein forms R222Q, R290Q, R321Q.
Identifiers: ClinVar variation 2628691 (VCV002628691.1), dbSNP rs1300931462, ClinGen allele CA352890751.